The following is an entry in ClinVar:

ClinVar aggregate classification (germline): Uncertain significance (1 of 4 stars; one submission).

Allele frequency attached by ClinVar (database versions not stated): gnomAD exomes 0.00002 and 0.00004; TOPMed 0.00010; gnomAD 0.00023 and 0.00024.

Submission:

Labcorp Genetics (formerly Invitae), Labcorp
Classification: Uncertain significance. Last evaluated: 2024-06-13. Review status: criteria provided, single submitter. Criteria: Invitae Variant Classification Sherloc (09022015). Collection method: clinical testing. Allele origin: germline.
Comment: This sequence change replaces leucine, which is neutral and non-polar, with tryptophan, which is neutral and slightly polar, at codon 1567 of the SON protein (p.Leu1567Trp). This variant is present in population databases (no rsID available, gnomAD 0.03%). This variant has not been reported in the literature in individuals affected with SON-related conditions. ClinVar contains an entry for this variant (Variation ID: 1460918). An algorithm developed to predict the effect of missense changes on protein structure and function (PolyPhen-2) suggests that this variant is likely to be disruptive. In summary, the available evidence is currently insufficient to determine the role of this variant in disease. Therefore, it has been classified as a Variant of Uncertain Significance.

NM_138927.4(SON):c.4700T>G (p.Leu1567Trp)

Gene: SON (SON DNA and RNA binding protein; plus strand). Cytogenetic location: 21q22.11.
Variant type: single nucleotide variant.
Coding change: c.4700T>G on transcript NM_138927.4 (MANE Select); coding-DNA position 4700, T replaced by G.
Protein change: p.Leu1567Trp; replaces leucine 1567 with tryptophan.
Molecular consequence: missense variant. On other transcripts: non-coding transcript variant (1), intron variant (1).
Genome position (GRCh38, 1-based): chr21:33,553,931, T>G. VCF-style: chr21-33553931-T-G. GRCh37 (hg19) VCF-style: chr21-34926237-T-G.
Other names: c.4700T>G, p.Leu1567Trp (NM_001291411.2, NM_032195.3); c.245-3225T>G (NM_001291412.3); short protein forms L1567W.
Identifiers: ClinVar variation 1460918 (VCV001460918.8), dbSNP rs889681839, ClinGen allele CA320153480.